The following is an entry in ClinVar:

ClinVar aggregate classification (germline): Likely benign (1 of 4 stars; one submission).

Allele frequency attached by ClinVar (database versions not stated): gnomAD exomes 0.00019; ExAC 0.00056; ESP Exome Variant Server 0.00070; gnomAD 0.00186; 1000 Genomes Project 30x 0.00344; TOPMed 0.00195; 1000 Genomes Project 0.00260.
gnomAD v4.1: 562 of 1,528,776 alleles (0.037%); highest among the groups gnomAD compares: African/African-American, 0.67%; 1 homozygote.

Submission:

CeGaT Center for Human Genetics Tuebingen
Classification: Likely benign. Last evaluated: 2023-04-01. Review status: criteria provided, single submitter. Criteria: CeGaT Center For Human Genetics Tuebingen Variant Classification Criteria Version 2. Collection method: clinical testing. Allele origin: germline. Affected: yes. Observed: 1 variant allele.
Comment: AKT1S1: BP4, BP7

NM_001098633.4(AKT1S1):c.99G>A (p.Ala33=)

Gene: AKT1S1 (AKT1 substrate 1; minus strand). Cytogenetic location: 19q13.33.
Variant type: single nucleotide variant.
Coding change: c.99G>A on transcript NM_001098633.4 (MANE Select); coding-DNA position 99, G replaced by A.
Protein change: p.Ala33=; no amino-acid change (alanine 33 retained).
Molecular consequence: synonymous variant.
Genome position (GRCh38, 1-based): chr19:49,873,197, C>T on the plus strand (G>A on the coding strand, the complement: AKT1S1 is on the minus strand). VCF-style: chr19-49873197-C-T. GRCh37 (hg19) VCF-style: chr19-50376454-C-T.
Other names: c.99G>A, p.Ala33= (NM_001098632.2, NM_001278159.2, NM_001278160.2); c.159G>A, p.Ala53= (NM_032375.5).
Identifiers: ClinVar variation 2650290 (VCV002650290.24), dbSNP rs200707263, ClinGen allele CA9587358.
Genomic context (GRCh38, chr19:49,873,197, plus strand): 5'-GGCTCCTCGACCATGGGCAGCATAGGCACAGGGGCCCGGGCGGGGTGGTGGCGGCGGGGC[C>T]GCGGTCAGCAGCACCAGCTCCGTGCCAGTCCGGGCCCGGAAGCGCTCAGCGGCCCCCACC-3'
Protein context (NP_001092103.1, residues 23-43): RTGTELVLLT[Ala33=]APPPPPRPGP